The following is an entry in ClinVar:

NM_000218.3(KCNQ1):c.902A>T (p.Asp301Val)

Gene: KCNQ1 (potassium voltage-gated channel subfamily Q member 1; plus strand). Cytogenetic location: 11p15.5.
Variant type: single nucleotide variant.
Coding change: c.902A>T on transcript NM_000218.3 (MANE Select); coding-DNA position 902, A replaced by T.
Protein change: p.Asp301Val; replaces aspartic acid 301 with valine.
Molecular consequence: missense variant.
Genome position (GRCh38, 1-based): chr11:2,572,967, A>T. VCF-style: chr11-2572967-A-T. GRCh37 (hg19) VCF-style: chr11-2594197-A-T.
Other names: c.902A>T, p.Asp301Val (NM_001406836.1); c.632A>T, p.Asp211Val (NM_001406837.1); c.521A>T, p.Asp174Val (NM_181798.2); short protein forms D174V, D301V, D211V.
Identifiers: ClinVar variation 519367 (VCV000519367.17), dbSNP rs1554893260, ClinGen allele CA379131717.

ClinVar aggregate classification (germline): Conflicting classifications of pathogenicity. Review status: criteria provided, conflicting classifications (1 of 4 stars). 2 submissions from 2 submitters: Likely pathogenic (1); Uncertain significance (1). Last evaluated 2023-07-05.

Conditions:
Long QT syndrome (LQTS). Identifiers: MedGen C0023976, MeSH D008133, MONDO:0002442. Disease mechanism: loss of function. Inheritance: Various modes of inheritance.
Cardiovascular phenotype. Identifiers: MedGen CN230736.

Allele frequency attached by ClinVar (database versions not stated): gnomAD exomes below 0.00001.
gnomAD v4.1: 1 of 1,613,676 alleles (0.000062%); highest among the groups gnomAD compares: Non-Finnish European, 0.000085%; no homozygotes.

Submissions (2):

Ambry Genetics
Classification: Likely pathogenic for Cardiovascular phenotype. Last evaluated: 2023-07-05. Review status: criteria provided, single submitter. Criteria: Ambry Variant Classification Scheme 2023. Collection method: clinical testing. Allele origin: germline.
Comment: The p.D301V variant (also known as c.902A>T), located in coding exon 6 of the KCNQ1 gene, results from an A to T substitution at nucleotide position 902. The aspartic acid at codon 301 is replaced by valine, an amino acid with highly dissimilar properties. By internal structural analysis, this variant has neutral destabilization energy; however, it is positioned in the P-loop of the Kv7.1 channel and indicated to be highly unfavored compared to other nearby likely pathogenic variants (Long SB et al. Nature, 2007 Nov;450:376-82; Gofman Y et al. Structure, 2012 Aug;20:1343-52; Xu Y et al. Biophys. J., 2013 Dec;105:2461-73; Ambry internal data). This variant is considered to be rare based on population cohorts in the Genome Aggregation Database (gnomAD). This amino acid position is highly conserved in available vertebrate species. In addition, this alteration is predicted to be deleterious by in silico analysis. Based on the majority of available evidence to date, this variant is likely to be pathogenic.

Labcorp Genetics (formerly Invitae), Labcorp
Classification: Uncertain significance for Long QT syndrome. Last evaluated: 2019-01-08. Review status: criteria provided, single submitter. Criteria: Invitae Variant Classification Sherloc (09022015). Collection method: clinical testing. Allele origin: germline.
Comment: In summary, the available evidence is currently insufficient to determine the role of this variant in disease. Therefore, it has been classified as a Variant of Uncertain Significance. Algorithms developed to predict the effect of missense changes on protein structure and function (SIFT, PolyPhen-2, Align-GVGD) all suggest that this variant is likely to be disruptive, but these predictions have not been confirmed by published functional studies and their clinical significance is uncertain. This variant has been observed in an individual with clinical features of long QT syndrome (Invitae). ClinVar contains an entry for this variant (Variation ID: 519367). This variant is not present in population databases (ExAC no frequency). This sequence change replaces aspartic acid with valine at codon 301 of the KCNQ1 protein (p.Asp301Val). The aspartic acid residue is highly conserved and there is a large physicochemical difference between aspartic acid and valine.

Literature cited by the submitters: PubMed 18004376 (cited by Ambry Genetics); PubMed 22771213 (cited by Ambry Genetics); PubMed 24314077 (cited by Ambry Genetics).